The following is an entry in ClinVar:

ClinVar aggregate classification (germline): Benign. Review status: criteria provided, multiple submitters, no conflicts (2 of 4 stars). 3 submissions from 3 submitters: Benign (3). Last evaluated 2021-07-14.

Conditions:
Frontotemporal dementia and/or amyotrophic lateral sclerosis 1 (FTDALS1). Also called: Frontotemporal dementia with motor neuron disease 1; C9orf72 Frontotemporal Dementia and/or Amyotrophic Lateral Sclerosis. Identifiers: Orphanet 275872, MedGen C5779877, MONDO:0007105, OMIM 105550.

Allele frequency attached by ClinVar (database versions not stated): 1000 Genomes Project 0.16953; 1000 Genomes Project 30x 0.16989; TOPMed 0.18826; gnomAD exomes 0.19852 and 0.22123; gnomAD 0.20073 and 0.20162; ExAC 0.20279; ESP Exome Variant Server 0.20796.

Submissions (3):

Genome-Nilou Lab
Classification: Benign for Frontotemporal dementia and/or amyotrophic lateral sclerosis 1. Last evaluated: 2021-07-14. Review status: criteria provided, single submitter. Criteria: ACMG Guidelines, 2015. Collection method: clinical testing. Allele origin: germline. Affected: no.

Illumina Laboratory Services, Illumina
Classification: Benign for Frontotemporal dementia and/or amyotrophic lateral sclerosis 1. Last evaluated: 2018-01-12. Review status: criteria provided, single submitter. Criteria: ICSL Variant Classification Criteria 13 December 2019. Collection method: clinical testing. Allele origin: germline.
Comment: This variant was observed in the ICSL laboratory as part of a predisposition screen in an ostensibly healthy population. It had not been previously curated by ICSL or reported in the Human Gene Mutation Database (HGMD: prior to June 1st, 2018), and was therefore a candidate for classification through an automated scoring system. Utilizing variant allele frequency, disease prevalence and penetrance estimates, and inheritance mode, an automated score was calculated to assess if this variant is too frequent to cause the disease. Based on the score and internal cut-off values, a variant classified as benign is not then subjected to further curation. The score for this variant resulted in a classification of benign for this disease.

Breakthrough Genomics
Classification: Benign. Review status: criteria provided, single submitter. Criteria: ACMG Guidelines, 2015. Collection method: not provided. Allele origin: germline. Inheritance: Autosomal dominant inheritance. Affected: yes.

NM_018325.5(C9orf72):c.-27G>A

Gene: C9orf72 (C9orf72-SMCR8 complex subunit; minus strand). Cytogenetic location: 9p21.2.
Variant type: single nucleotide variant.
Coding change: c.-27G>A on transcript NM_018325.5 (MANE Select); 27 bases upstream of the start codon, G replaced by A.
Molecular consequence: 5 prime UTR variant.
Genome position (GRCh38, 1-based): chr9:27,567,147, C>T on the plus strand (G>A on the coding strand, the complement: C9orf72 is on the minus strand). VCF-style: chr9-27567147-C-T. GRCh37 (hg19) VCF-style: chr9-27567145-C-T.
Other names: c.-27G>A (NM_001256054.3, NM_145005.7).
Identifiers: ClinVar variation 366529 (VCV000366529.9), dbSNP rs10757668, ClinGen allele CA5018054.